The following is an entry in ClinVar:

ClinVar aggregate classification (germline): Uncertain significance (1 of 4 stars; one submission).

Conditions:
Hereditary cancer-predisposing syndrome. Also called: Neoplastic Syndromes, Hereditary; Tumor predisposition; Hereditary Cancer Syndrome; Hereditary neoplastic syndrome. Identifiers: Orphanet 140162, MedGen C0027672, MeSH D009386, MONDO:0015356.

Submission:

Ambry Genetics
Classification: Uncertain significance for Hereditary cancer-predisposing syndrome. Last evaluated: 2025-10-22. Review status: criteria provided, single submitter. Criteria: Ambry Variant Classification Scheme 2023. Collection method: clinical testing. Allele origin: germline.
Comment: The p.T356P variant (also known as c.1066A>C), located in coding exon 6 of the KIT gene, results from an A to C substitution at nucleotide position 1066. The threonine at codon 356 is replaced by proline, an amino acid with highly similar properties. This amino acid position is conserved. In addition, this alteration is predicted to be tolerated by in silico analysis. Based on the available evidence, the clinical significance of this variant remains unclear.

NM_000222.3(KIT):c.1066A>C (p.Thr356Pro)

Gene: KIT (KIT proto-oncogene, receptor tyrosine kinase; plus strand). Cytogenetic location: 4q12.
Variant type: single nucleotide variant.
Coding change: c.1066A>C on transcript NM_000222.3 (MANE Select); coding-DNA position 1066, A replaced by C.
Protein change: p.Thr356Pro; replaces threonine 356 with proline.
Molecular consequence: missense variant.
Genome position (GRCh38, 1-based): chr4:54,707,238, A>C. VCF-style: chr4-54707238-A-C. GRCh37 (hg19) VCF-style: chr4-55573404-A-C.
Other names: c.1066A>C, p.Thr356Pro (NM_001093772.2, NM_001385285.1, NM_001385286.1); c.1069A>C, p.Thr357Pro (NM_001385284.1, NM_001385288.1, NM_001385290.1 and 1 more transcripts); short protein forms T356P, T357P.
Identifiers: ClinVar variation 4645114 (VCV004645114.1).
Genomic context (GRCh38, chr4:54,707,238, plus strand): 5'-GAATATGAAGCATTCCCCAAACCTGAACACCAGCAGTGGATCTATATGAACAGAACCTTC[A>C]CTGATAAATGGGAAGATTATCCCAAGTCTGAGAATGAAAGTAATATCAGGTAAGAAATGG-3'
Protein context (NP_000213.1, residues 346-366): QQWIYMNRTF[Thr356Pro]DKWEDYPKSE